The following is an entry in ClinVar:

ClinVar aggregate classification (germline): Uncertain significance (1 of 4 stars; one submission).

Conditions:
Ehlers-Danlos syndrome, type 4 (EDSVASC). Also called: Ehlers-Danlos syndrome vascular type; Ehlers Danlos syndrome, ecchymotic type; Ehlers Danlos syndrome, arterial type; Ehlers Danlos syndrome, Sack-Barabas type; Ehlers-Danlos Syndrome Type IV. Identifiers: Orphanet 286, MedGen C0268338, MONDO:0017314, OMIM 130050.

Submission:

All of Us Research Program, National Institutes of Health
Classification: Uncertain significance for Ehlers-Danlos syndrome, type 4. Last evaluated: 2024-02-22. Review status: criteria provided, single submitter. Criteria: ACMG Guidelines, 2015. Collection method: clinical testing. Allele origin: germline. Inheritance: Autosomal dominant inheritance. Observed: 1 variant allele, 1 heterozygote.
Comment: This missense variant replaces threonine with serine at codon 146 of the COL3A1 protein. Computational prediction suggests that this variant may not impact protein structure and function (internally defined REVEL score threshold <= 0.5, PMID: 27666373). To our knowledge, functional studies have not been reported for this variant. This variant has not been reported in individuals affected with COL3A1-related disorders in the literature. This variant has not been identified in the general population by the Genome Aggregation Database (gnomAD). The available evidence is insufficient to determine the role of this variant in disease conclusively. Therefore, this variant is classified as a Variant of Uncertain Significance.

This study involves interpretation of variants in research participants for the purpose of population health screening. Participant phenotype was not available at the time of variant classification. Additional details can be found in publication PMID: 35346344, PMCID: PMC8962531

NM_000090.4(COL3A1):c.436A>T (p.Thr146Ser)

Gene: COL3A1 (collagen type III alpha 1 chain; plus strand). Cytogenetic location: 2q32.2.
Variant type: single nucleotide variant.
Coding change: c.436A>T on transcript NM_000090.4 (MANE Select); coding-DNA position 436, A replaced by T.
Protein change: p.Thr146Ser; replaces threonine 146 with serine.
Molecular consequence: missense variant.
Genome position (GRCh38, 1-based): chr2:188,985,767, A>T. VCF-style: chr2-188985767-A-T. GRCh37 (hg19) VCF-style: chr2-189850493-A-T.
Other names: short protein forms T146S.
Identifiers: ClinVar variation 3386432 (VCV003386432.1).
Genomic context (GRCh38, chr2:188,985,767, plus strand): 5'-CCAGGACAACCAGGGTCCCCTGGTTCTCCTGGCCCCCCTGGAATCTGTGAATCATGCCCT[A>T]CTGGTCCTCAGGTATAACAATTACGGTACTTAAAAAATTCCCTCATAAAACTATCTAGTT-3'
Protein context (NP_000081.2, residues 136-156): GPPGICESCP[Thr146Ser]GPQNYSPQYD